The following is an entry in ClinVar:

NM_000535.7(PMS2):c.792T>G (p.His264Gln)

Gene: PMS2 (PMS1 homolog 2, mismatch repair system component; minus strand). Cytogenetic location: 7p22.1.
Variant type: single nucleotide variant.
Coding change: c.792T>G on transcript NM_000535.7 (MANE Select); coding-DNA position 792, T replaced by G.
Protein change: p.His264Gln; replaces histidine 264 with glutamine.
Molecular consequence: missense variant. On other transcripts: 5 prime UTR variant (2), non-coding transcript variant (1).
Genome position (GRCh38, 1-based): chr7:5,997,337, A>C on the plus strand (T>G on the coding strand, the complement: PMS2 is on the minus strand). VCF-style: chr7-5997337-A-C. GRCh37 (hg19) VCF-style: chr7-6036968-A-C.
Other names: c.387T>G, p.His129Gln (NM_001322003.2, NM_001322004.2, NM_001322005.2 and 2 more transcripts); c.792T>G, p.His264Gln (NM_001322006.2, NM_001322014.2); c.474T>G, p.His158Gln (NM_001322007.2, NM_001322008.2); c.-142T>G (NM_001322011.2, NM_001322012.2); c.219T>G, p.His73Gln (NM_001322013.2); c.483T>G, p.His161Gln (NM_001322015.2); short protein forms H158Q, H161Q, H264Q, H129Q, H73Q.
Identifiers: ClinVar variation 827342 (VCV000827342.7), dbSNP rs1554301398, ClinGen allele CA366743625.

ClinVar aggregate classification (germline): Uncertain significance. Review status: criteria provided, multiple submitters, no conflicts (2 of 4 stars). 2 submissions from 2 submitters: Uncertain significance (2). Last evaluated 2022-11-29.

Conditions:
Hereditary nonpolyposis colorectal neoplasms. Identifiers: MedGen C0009405, MeSH D003123.
Hereditary cancer-predisposing syndrome. Also called: Neoplastic Syndromes, Hereditary; Tumor predisposition; Hereditary neoplastic syndrome; Hereditary Cancer Syndrome. Identifiers: Orphanet 140162, MedGen C0027672, MeSH D009386, MONDO:0015356.

Submissions (2):

Labcorp Genetics (formerly Invitae), Labcorp
Classification: Uncertain significance for Hereditary nonpolyposis colorectal neoplasms. Last evaluated: 2022-11-29. Review status: criteria provided, single submitter. Criteria: Invitae Variant Classification Sherloc (09022015). Collection method: clinical testing. Allele origin: germline.
Comment: Advanced modeling of protein sequence and biophysical properties (such as structural, functional, and spatial information, amino acid conservation, physicochemical variation, residue mobility, and thermodynamic stability) performed at Invitae indicates that this missense variant is not expected to disrupt PMS2 protein function. This sequence change replaces histidine, which is basic and polar, with glutamine, which is neutral and polar, at codon 264 of the PMS2 protein (p.His264Gln). This variant is not present in population databases (gnomAD no frequency). This variant has not been reported in the literature in individuals affected with PMS2-related conditions. ClinVar contains an entry for this variant (Variation ID: 827342). In summary, the available evidence is currently insufficient to determine the role of this variant in disease. Therefore, it has been classified as a Variant of Uncertain Significance.

Ambry Genetics
Classification: Uncertain significance for Hereditary cancer-predisposing syndrome. Last evaluated: 2019-07-31. Review status: criteria provided, single submitter. Criteria: Ambry Variant Classification Scheme 2023. Collection method: clinical testing. Allele origin: germline.
Comment: The p.H264Q variant (also known as c.792T>G), located in coding exon 7 of the PMS2 gene, results from a T to G substitution at nucleotide position 792. The histidine at codon 264 is replaced by glutamine, an amino acid with highly similar properties. This amino acid position is poorly conserved in available vertebrate species, and glutamine is the reference amino acid in other vertebrate species. In addition, this alteration is predicted to be tolerated by in silico analysis. Since supporting evidence is limited at this time, the clinical significance of this alteration remains unclear.